The following is an entry in ClinVar:

NM_001130009.3(GEN1):c.1471A>C (p.Met491Leu)

Gene: GEN1 (GEN1 Holliday junction 5' flap endonuclease; plus strand). Cytogenetic location: 2p24.2.
Variant type: single nucleotide variant.
Coding change: c.1471A>C on transcript NM_001130009.3 (MANE Select); coding-DNA position 1471, A replaced by C.
Protein change: p.Met491Leu; replaces methionine 491 with leucine.
Molecular consequence: missense variant.
Genome position (GRCh38, 1-based): chr2:17,780,683, A>C. VCF-style: chr2-17780683-A-C. GRCh37 (hg19) VCF-style: chr2-17961950-A-C.
Other names: c.1471A>C, p.Met491Leu (NM_182625.5); short protein forms M491L.
Identifiers: ClinVar variation 3853495 (VCV003853495.1).

ClinVar aggregate classification (germline): Uncertain significance (1 of 4 stars; one submission).

gnomAD v4.1: 6 of 1,613,504 alleles (0.00037%); highest among the groups gnomAD compares: African/African-American, 0.008%; no homozygotes.

Submission:

Ambry Genetics
Classification: Uncertain significance. Last evaluated: 2025-01-09. Review status: criteria provided, single submitter. Criteria: Ambry Variant Classification Scheme 2023. Collection method: clinical testing. Allele origin: germline.
Comment: The p.M491L variant (also known as c.1471A>C), located in coding exon 13 of the GEN1 gene, results from an A to C substitution at nucleotide position 1471. The methionine at codon 491 is replaced by leucine, an amino acid with highly similar properties. This amino acid position is conserved. In addition, this alteration is predicted to be tolerated by in silico analysis. Based on the available evidence, the clinical significance of this variant remains unclear.